The following is an entry in ClinVar:

NM_000038.6(APC):c.4521T>C (p.Ser1507=)

Gene: APC (APC regulator of Wnt signaling pathway; plus strand). Cytogenetic location: 5q22.2.
Variant type: single nucleotide variant.
Coding change: c.4521T>C on transcript NM_000038.6 (MANE Select); coding-DNA position 4521, T replaced by C.
Protein change: p.Ser1507=; no amino-acid change (serine 1507 retained).
Molecular consequence: synonymous variant.
Genome position (GRCh38, 1-based): chr5:112,840,115, T>C. VCF-style: chr5-112840115-T-C. GRCh37 (hg19) VCF-style: chr5-112175812-T-C.
Other names: c.4521T>C, p.Ser1507= (NM_001127510.3, NM_001354895.2); c.4467T>C, p.Ser1489= (NM_001127511.3); c.4575T>C, p.Ser1525= (NM_001354896.2); c.4551T>C, p.Ser1517= (NM_001354897.2); c.4446T>C, p.Ser1482= (NM_001354898.2); c.4437T>C, p.Ser1479= (NM_001354899.2); c.4398T>C, p.Ser1466= (NM_001354900.2); c.4344T>C, p.Ser1448= (NM_001354901.2); and 5 more.
Identifiers: ClinVar variation 416746 (VCV000416746.11), dbSNP rs1060504885, ClinGen allele CA16611653.
Genomic context (GRCh38, chr5:112,840,115, plus strand): 5'-TTTATTACATTTTGCCACGGAAAGTACTCCAGATGGATTTTCTTGTTCATCCAGCCTGAG[T>C]GCTCTGAGCCTCGATGAGCCATTTATACAGAAAGATGTGGAATTAAGAATAATGCCTCCA-3'
Protein context (NP_000029.2, residues 1497-1517): PDGFSCSSSL[Ser1507=]ALSLDEPFIQ

ClinVar aggregate classification (germline): Benign/Likely benign. Review status: criteria provided, multiple submitters, no conflicts (2 of 4 stars). 2 submissions from 2 submitters: Benign (1); Likely benign (1). Last evaluated 2024-03-27.

Conditions:
Familial adenomatous polyposis 1 (FAP1). Also called: FAMILIAL ADENOMATOUS POLYPOSIS 1, ATTENUATED; POLYPOSIS, ADENOMATOUS INTESTINAL. Identifiers: MedGen C2713442, MONDO:0021056, OMIM 175100. Disease mechanism: loss of function.

Submissions (2):

Myriad Genetics, Inc.
Classification: Benign for Familial adenomatous polyposis 1. Last evaluated: 2024-03-27. Review status: criteria provided, single submitter. Criteria: Myriad Autosomal Dominant, Autosomal Recessive and X-Linked Classification Criteria (2023). Collection method: clinical testing. Allele origin: unknown.
Comment: This variant is considered benign. This variant is a silent/synonymous amino acid change and it is not expected to impact splicing.

Labcorp Genetics (formerly Invitae), Labcorp
Classification: Likely benign for Familial adenomatous polyposis 1. Last evaluated: 2023-10-08. Review status: criteria provided, single submitter. Criteria: Invitae Variant Classification Sherloc (09022015). Collection method: clinical testing. Allele origin: germline.